The following is an entry in ClinVar:

NM_145239.3(PRRT2):c.865G>A (p.Ala289Thr)

Genes: MVP-DT (MVP divergent transcript; minus strand), PRRT2 (proline rich transmembrane protein 2; plus strand). Cytogenetic location: 16p11.2.
Variant type: single nucleotide variant.
Coding change: c.865G>A on transcript NM_145239.3 (MANE Select); coding-DNA position 865, G replaced by A.
Protein change: p.Ala289Thr; replaces alanine 289 with threonine.
Molecular consequence: missense variant.
Genome position (GRCh38, 1-based): chr16:29,813,919, G>A. VCF-style: chr16-29813919-G-A. GRCh37 (hg19) VCF-style: chr16-29825240-G-A.
Other names: c.865G>A, p.Ala289Thr (NM_001256442.2, NM_001256443.2); short protein forms A289T.
Identifiers: ClinVar variation 847965 (VCV000847965.10), dbSNP rs754794125, ClinGen allele CA7994591.

ClinVar aggregate classification (germline): Uncertain significance (1 of 4 stars; one submission).

Conditions:
Episodic kinesigenic dyskinesia (EKD). Also called: Paroxysmal kinesigenic dyskinesia. Identifiers: Orphanet 98809, MedGen C1868682, MONDO:0044202.

Allele frequency attached by ClinVar (database versions not stated): TOPMed below 0.00001; gnomAD exomes 0.00003 and 0.00001; ExAC 0.00003.
gnomAD v4.1: 14 of 1,596,946 alleles (0.00088%); highest among the groups gnomAD compares: South Asian, 0.0034%; no homozygotes.

Submission:

Labcorp Genetics (formerly Invitae), Labcorp
Classification: Uncertain significance for Episodic kinesigenic dyskinesia. Last evaluated: 2019-01-26. Review status: criteria provided, single submitter. Criteria: Invitae Variant Classification Sherloc (09022015). Collection method: clinical testing. Allele origin: germline.
Comment: In summary, the available evidence is currently insufficient to determine the role of this variant in disease. Therefore, it has been classified as a Variant of Uncertain Significance. Algorithms developed to predict the effect of missense changes on protein structure and function are either unavailable or do not agree on the potential impact of this missense change (SIFT: "Tolerated"; PolyPhen-2: "Possibly Damaging"; Align-GVGD: "Class C0"). This variant has not been reported in the literature in individuals with PRRT2-related conditions. This variant is present in population databases (rs754794125, ExAC 0.02%). This sequence change replaces alanine with threonine at codon 289 of the PRRT2 protein (p.Ala289Thr). The alanine residue is highly conserved and there is a small physicochemical difference between alanine and threonine.